The following is an entry in ClinVar:

ClinVar aggregate classification (germline): Uncertain significance (1 of 4 stars; one submission).

Conditions:
Vici syndrome (VICIS). Identifiers: Orphanet 1493, MedGen C1855772, MONDO:0009452, OMIM 242840.

Allele frequency attached by ClinVar (database versions not stated): gnomAD exomes below 0.00001; TOPMed below 0.00001; gnomAD 0.00001.
gnomAD v4.1: 6 of 1,614,058 alleles (0.00037%); highest among the groups gnomAD compares: Non-Finnish European, 0.00034%; no homozygotes.

Submission:

Labcorp Genetics (formerly Invitae), Labcorp
Classification: Uncertain significance for Vici syndrome. Last evaluated: 2021-09-24. Review status: criteria provided, single submitter. Criteria: Invitae Variant Classification Sherloc (09022015). Collection method: clinical testing. Allele origin: germline.
Comment: This sequence change replaces alanine with glycine at codon 1365 of the EPG5 protein (p.Ala1365Gly). The alanine residue is moderately conserved and there is a small physicochemical difference between alanine and glycine. This variant is not present in population databases (ExAC no frequency). This variant has not been reported in the literature in individuals with EPG5-related conditions. Algorithms developed to predict the effect of missense changes on protein structure and function are either unavailable or do not agree on the potential impact of this missense change (SIFT: "Deleterious"; PolyPhen-2: "Probably Damaging"; Align-GVGD: "Class C0"). In summary, the available evidence is currently insufficient to determine the role of this variant in disease. Therefore, it has been classified as a Variant of Uncertain Significance.

NM_020964.3(EPG5):c.4094C>G (p.Ala1365Gly)

Gene: EPG5 (ectopic P-granules 5 autophagy tethering factor; minus strand). Cytogenetic location: 18q21.1.
Variant type: single nucleotide variant.
Coding change: c.4094C>G on transcript NM_020964.3 (MANE Select); coding-DNA position 4094, C replaced by G.
Protein change: p.Ala1365Gly; replaces alanine 1365 with glycine.
Molecular consequence: missense variant.
Genome position (GRCh38, 1-based): chr18:45,910,632, G>C on the plus strand (C>G on the coding strand, the complement: EPG5 is on the minus strand). VCF-style: chr18-45910632-G-C. GRCh37 (hg19) VCF-style: chr18-43490597-G-C.
Other names: short protein forms A1365G.
Identifiers: ClinVar variation 1494123 (VCV001494123.6), dbSNP rs2049870260, ClinGen allele CA402340085.